The following is an entry in ClinVar:

NM_001330701.2(AGTPBP1):c.3342+2T>C

Gene: AGTPBP1 (ATP/GTP binding carboxypeptidase 1; minus strand). Cytogenetic location: 9q21.33.
Variant type: single nucleotide variant.
Coding change: c.3342+2T>C on transcript NM_001330701.2 (MANE Select); the canonical splice donor site of the intron after coding-DNA position 3342, T replaced by C.
Molecular consequence: splice donor variant.
Genome position (GRCh38, 1-based): chr9:85,578,918, A>G on the plus strand (T>C on the coding strand, the complement: AGTPBP1 is on the minus strand). VCF-style: chr9-85578918-A-G. GRCh37 (hg19) VCF-style: chr9-88193833-A-G.
Other names: c.3378+2T>C (NM_001286717.1); c.3498+2T>C (NM_001286715.1); c.3222+2T>C (NM_015239.3).
Identifiers: ClinVar variation 4879519 (VCV004879519.1).

ClinVar aggregate classification (germline): Uncertain significance (1 of 4 stars; one submission).

Conditions:
Neurodegeneration, childhood-onset, with cerebellar atrophy. Identifiers: MedGen C4748934, MONDO:0032650, OMIM 618276.

Submission:

Clinical Genomics Laboratory, Washington University in St. Louis
Classification: Uncertain significance for Neurodegeneration, childhood-onset, with cerebellar atrophy. Last evaluated: 2026-04-16. Review status: criteria provided, single submitter. Criteria: ACMG Guidelines, 2015. Collection method: clinical testing. Allele origin: germline.
Comment: The AGTPBP1 c.3342+2T>C variant, to our knowledge, has not been reported in the medical literature and is absent from the general population (gnomAD v4.1.0), indicating it is not a common variant. This variant occurs within the canonical splice donor site, which is predicted to cause skipping of the exon, leading to an in-frame transcript. Due to limited information, and based on ACMG/AMP guidelines for variant interpretation (Richards S et al., PMID: 25741868), the clinical significance of this variant is uncertain at this time.